The following is an entry in ClinVar:

NM_002382.5(MAX):c.295+1G>A

Gene: MAX (MYC associated transcriptional regulator X; minus strand). Cytogenetic location: 14q23.3.
Variant type: single nucleotide variant.
Coding change: c.295+1G>A on transcript NM_002382.5 (MANE Select); the canonical splice donor site of the intron after coding-DNA position 295, G replaced by A.
Molecular consequence: splice donor variant. On other transcripts: intron variant (2).
Genome position (GRCh38, 1-based): chr14:65,077,912, C>T on the plus strand (G>A on the coding strand, the complement: MAX is on the minus strand). VCF-style: chr14-65077912-C-T. GRCh37 (hg19) VCF-style: chr14-65544630-C-T.
Other names: IVS4DS, G-A, +1; c.144+15796G>A (NM_001271069.2); c.171+15796G>A (NM_197957.4); c.-73+1G>A (NM_001407112.1, NM_001407111.1); c.21+1G>A (NM_001407106.1, NM_001407107.1, NM_001320415.2 and 1 more transcripts); c.268+1G>A (NM_001407095.1, NM_001407110.1, NM_001407102.1 and 6 more transcripts); c.295+1G>A (NM_001407094.1, NM_001407104.1, NM_001407103.1 and 3 more transcripts); c.187+1G>A (NM_001407098.1).
Identifiers: ClinVar variation 186993 (VCV000186993.12), dbSNP rs786203385, ClinGen allele CA196421.

ClinVar aggregate classification (germline): Pathogenic. Review status: criteria provided, multiple submitters, no conflicts (2 of 4 stars). 3 submissions from 3 submitters: Pathogenic (2). 1 of the submissions does not count toward it. Last evaluated 2024-08-21.

Conditions:
Hereditary pheochromocytoma and paraganglioma. Also called: Hereditary Paraganglioma-Pheochromocytoma Syndromes; Hereditary pheochromocytoma-paraganglioma; Hereditary paragangliomas and pheochromocytomas. Identifiers: Orphanet 29072, MedGen C4274332, MONDO:0017366.
MULTIPLE ENDOCRINE NEOPLASIA, TYPE V (MEN5). Identifiers: MedGen CN382240, OMIM 621678.
Hereditary cancer-predisposing syndrome. Also called: Neoplastic Syndromes, Hereditary; Hereditary Cancer Syndrome; Tumor predisposition; Hereditary neoplastic syndrome. Identifiers: Orphanet 140162, MedGen C0027672, MeSH D009386, MONDO:0015356.

Submissions (3):

Labcorp Genetics (formerly Invitae), Labcorp
Classification: Pathogenic for Hereditary pheochromocytoma and paraganglioma. Last evaluated: 2024-08-21. Review status: criteria provided, single submitter. Criteria: Invitae Variant Classification Sherloc (09022015). Collection method: clinical testing. Allele origin: germline.
Comment: This sequence change affects a donor splice site in intron 4 of the MAX gene. RNA analysis indicates that disruption of this splice site induces altered splicing and likely disrupts the C-terminus of the protein. This variant is not present in population databases (gnomAD no frequency). Disruption of this splice site has been observed in individuals with pheochromocytoma and paraganglioma (PMID: 21685915, 22452945). ClinVar contains an entry for this variant (Variation ID: 186993). Variants that disrupt the consensus splice site are a relatively common cause of aberrant splicing (PMID: 17576681, 9536098). Studies have shown that disruption of this splice site results in skipping of exon 4 and introduces a new termination codon (PMID: 21685915). However the mRNA is not expected to undergo nonsense-mediated decay. This variant disrupts the C-terminal domain of the MAX protein, which is essential for protein localization to the nucleus and suppression of MYC transactivation activity (PMID: 1459463, 1730412, 7630640). While functional studies have not been performed to directly test the effect of this variant on MAX protein function, this suggests that disruption of this region of the protein is causative of disease. For these reasons, this variant has been classified as Pathogenic.

Ambry Genetics
Classification: Pathogenic for Hereditary cancer-predisposing syndrome. Last evaluated: 2016-01-25. Review status: criteria provided, single submitter. Criteria: Ambry Variant Classification Scheme 2023. Collection method: clinical testing. Allele origin: germline.
Comment: The c.295+1G>A pathogenic mutation results from a G to A substitution one nucleotide after coding exon 4 of the MAX gene. In addition, RT-PCR analysis revealed that the c.295+1G>A allele was associated with complete skipping of exon 4 in tumor cDNA (Comino-M&eacute;ndez I et al. Nat. Genet. 2011 Jul; 43(7):663-7). In addition to the clinical data presented in the literature, since alterations that disrupt the canonical splice donor site are typically deleterious in nature, this alteration is interpreted as a disease-causing mutation (ACMG Recommendations for Standards for Interpretation and Reporting of Sequence Variations. Revision 2007. Genet Med. 2008;10:294).

OMIM
Classification: Pathogenic for MULTIPLE ENDOCRINE NEOPLASIA, TYPE V. Last evaluated: 2011-06-19. Review status: no assertion criteria provided. Collection method: literature only. Allele origin: germline. Not counted in ClinVar's aggregate classification.

Literature cited by the submitters: PubMed 21685915 (cited by 3 submitters); PubMed 22452945 (cited by Labcorp Genetics (formerly Invitae), Labcorp); PubMed 17576681 (cited by Labcorp Genetics (formerly Invitae), Labcorp); PubMed 9536098 (cited by Labcorp Genetics (formerly Invitae), Labcorp); PubMed 1459463 (cited by Labcorp Genetics (formerly Invitae), Labcorp); PubMed 1730412 (cited by Labcorp Genetics (formerly Invitae), Labcorp); PubMed 7630640 (cited by Labcorp Genetics (formerly Invitae), Labcorp).